The following is an entry in ClinVar:

ClinVar aggregate classification (germline): Uncertain significance. Review status: criteria provided, multiple submitters, no conflicts (2 of 4 stars). 2 submissions from 2 submitters: Uncertain significance (2). Last evaluated 2025-12-27.

Conditions:
Holoprosencephaly 5 (HPE5). Identifiers: Orphanet 2162, MedGen C1864827, MONDO:0012322, OMIM 609637.

Submissions (2):

GeneDx
Classification: Uncertain significance. Last evaluated: 2025-12-27. Review status: criteria provided, single submitter. Criteria: GeneDx Variant Classification Process June 2021. Collection method: clinical testing. Allele origin: germline.
Comment: Reported in an individual with holoprosencephaly, however, familial segregation and additional clinical information were not included (PMID: 19177455); In-frame duplication of 3 amino acids in a non-repeat region; Not observed at significant frequency in large population cohorts (gnomAD); This variant is associated with the following publications: (PMID: 11285244, 19177455)

Labcorp Genetics (formerly Invitae), Labcorp
Classification: Uncertain significance for Holoprosencephaly 5. Last evaluated: 2024-03-14. Review status: criteria provided, single submitter. Criteria: Invitae Variant Classification Sherloc (09022015). Collection method: clinical testing. Allele origin: germline.
Comment: This variant, c.710_718dup, results in the insertion of 3 amino acid(s) of the ZIC2 protein (p.His237_His239dup), but otherwise preserves the integrity of the reading frame. This variant is not present in population databases (gnomAD no frequency). This variant has been observed in individual(s) with holoprosencephaly (PMID: 19177455). Experimental studies and prediction algorithms are not available or were not evaluated, and the functional significance of this variant is currently unknown. In summary, the available evidence is currently insufficient to determine the role of this variant in disease. Therefore, it has been classified as a Variant of Uncertain Significance.

Literature cited by the submitters: PubMed 19177455 (cited by Labcorp Genetics (formerly Invitae), Labcorp).

NM_007129.5(ZIC2):c.692ACC[12] (p.His237_His239dup)

Gene: ZIC2 (Zic family zinc finger 2; plus strand). Cytogenetic location: 13q32.3.
Variant type: Microsatellite.
Coding change: c.692ACC[12] on transcript NM_007129.5 (MANE Select); 12 copies in a row of the 3-base unit ACC starting at c.692; the reference has nine copies in a row; three copies, 9 bases duplicated; also written c.710_718dup.
Protein change: p.His237_His239dup.
Molecular consequence: inframe insertion.
Genome position (GRCh38, 1-based): chr13:99,982,774-99,982,782, ACCACCACC duplicated; duplicating any 9 consecutive bases within chr13:99,982,754-99,982,782 gives the same sequence; the position shown is the placement nearest the transcript's 3' end. VCF-style (leftmost placement, unchanged base first): chr13-99982753-C-CCCACCACCA. GRCh37 (hg19) VCF-style: chr13-100635007-C-CCCACCACCA.
Other names: c.710_718dup (NM_007129.3).
Identifiers: ClinVar variation 1407690 (VCV001407690.9), dbSNP rs398124241, ClinGen allele CA703011213.
Genomic context (GRCh38, chr13:99,982,753, plus strand): 5'-TCCACAACCAGTACGGCCCCATGAATATGAACATGGGTATGAACATGGCAGCAGCCGCGG[C>CCCACCACCA]CCACCACCACCACCACCACCACCACCACCCCGGTGCCTTTTTCCGCTATATGCGGCAGCA-3'